The following is an entry in ClinVar:

NM_002292.4(LAMB2):c.1682G>A (p.Arg561Gln)

Gene: LAMB2 (laminin subunit beta 2; minus strand). Cytogenetic location: 3p21.31.
Variant type: single nucleotide variant.
Coding change: c.1682G>A on transcript NM_002292.4 (MANE Select); coding-DNA position 1682, G replaced by A.
Protein change: p.Arg561Gln; replaces arginine 561 with glutamine.
Molecular consequence: missense variant.
Genome position (GRCh38, 1-based): chr3:49,129,069, C>T on the plus strand (G>A on the coding strand, the complement: LAMB2 is on the minus strand). VCF-style: chr3-49129069-C-T. GRCh37 (hg19) VCF-style: chr3-49166502-C-T.
Other names: short protein forms R561Q.
Identifiers: ClinVar variation 222684 (VCV000222684.3), dbSNP rs866448113, ClinGen allele CA358720.
Genomic context (GRCh38, chr3:49,129,069, plus strand): 5'-AGGCCCCACACCTGCCCTCGGGTGTCCTCAGCCTCCCAAATTAGGTGGTCCAGGAAGGGC[C>T]GGAAGTAGCCAGGTTGCACCTGCTCACAGCGTCGCCCAACCATGTGCTGGCGGCAGTGGC-3'
Protein context (NP_002283.3, residues 551-571): RCEQVQPGYF[Arg561Gln]PFLDHLIWEA

ClinVar aggregate classification (germline): Uncertain significance. Review status: criteria provided, multiple submitters, no conflicts (2 of 4 stars). 2 submissions from 2 submitters: Uncertain significance (2). Last evaluated 2025-04-14.

Conditions:
LAMB2-related infantile-onset nephrotic syndrome. Also called: Nephrotic Syndrome, type 5; NEPHROTIC SYNDROME, TYPE 5, WITHOUT OCULAR ABNORMALITIES; NEPHROTIC SYNDROME, TYPE 5, WITH OCULAR ABNORMALITIES. Identifiers: Orphanet 306507, MedGen C3280113, MONDO:0013621, OMIM 614199.
Pierson syndrome. Also called: MICROCORIA-CONGENITAL NEPHROTIC SYNDROME. Identifiers: Orphanet 2670, MedGen C1836876, MONDO:0012184, OMIM 609049.

Allele frequency attached by ClinVar (database versions not stated): gnomAD 0.00002; gnomAD exomes 0.00001; TOPMed 0.00001.

Submissions (2):

GeneDx
Classification: Uncertain significance. Last evaluated: 2025-04-14. Review status: criteria provided, single submitter. Criteria: GeneDx Variant Classification Process June 2021. Collection method: clinical testing. Allele origin: germline. Affected: yes.
Comment: Not observed at significant frequency in large population cohorts (gnomAD); In silico analysis supports that this missense variant does not alter protein structure/function; This variant is associated with the following publications: (PMID: 23595123, 39416865)

Fulgent Genetics
Classification: Uncertain significance for Pierson syndrome; LAMB2-related infantile-onset nephrotic syndrome. Last evaluated: 2022-01-14. Review status: criteria provided, single submitter. Criteria: ACMG Guidelines, 2015. Collection method: clinical testing. Allele origin: unknown.